The following is an entry in ClinVar:

NM_032043.3(BRIP1):c.1155_1162delinsATA (p.Lys386_Gln388delinsTer)

Gene: BRIP1 (BRCA1 interacting DNA helicase 1; minus strand). Cytogenetic location: 17q23.2.
Variant type: Indel.
Coding change: c.1155_1162delinsATA on transcript NM_032043.3 (MANE Select); coding-DNA positions 1155 to 1162, GAAAGAAC replaced by ATA.
Protein change: p.Lys386_Gln388delinsTer.
Molecular consequence: nonsense.
Genome position (GRCh38, 1-based): chr17:61,799,278-61,799,285, GTTCTTTC replaced by TAT on the plus strand (GAAAGAAC replaced by ATA on the coding strand, the reverse complement: BRIP1 is on the minus strand). VCF-style: chr17-61799278-GTTCTTTC-TAT. GRCh37 (hg19) VCF-style: chr17-59876639-GTTCTTTC-TAT.
Identifiers: ClinVar variation 652991 (VCV000652991.8), dbSNP rs1603342339, ClinGen allele CA915950713.

ClinVar aggregate classification (germline): Pathogenic. Review status: criteria provided, multiple submitters, no conflicts (2 of 4 stars). 2 submissions from 2 submitters: Pathogenic (2). Last evaluated 2023-06-01.

Conditions:
Familial cancer of breast. Also called: hereditary breast carcinoma; BREAST CANCER, FAMILIAL; Hereditary breast cancer. Identifiers: Orphanet 227535, MedGen C0346153, MONDO:0016419, OMIM 114480. Disease mechanism: loss of function.
Fanconi anemia complementation group J. Also called: BRIP1-Related Fanconi Anemia. Identifiers: Orphanet 84, MedGen C1836860, MONDO:0012187, OMIM 609054.

Submissions (2):

Myriad Genetics, Inc.
Classification: Pathogenic for Familial cancer of breast. Last evaluated: 2023-06-01. Review status: criteria provided, single submitter. Criteria: Myriad Autosomal Dominant, Autosomal Recessive and X-Linked Classification Criteria (2023). Collection method: clinical testing. Allele origin: unknown.
Comment: This variant is considered pathogenic. This variant creates a termination codon and is predicted to result in premature protein truncation.

Labcorp Genetics (formerly Invitae), Labcorp
Classification: Pathogenic for Familial cancer of breast; Fanconi anemia complementation group J. Last evaluated: 2018-11-28. Review status: criteria provided, single submitter. Criteria: Invitae Variant Classification Sherloc (09022015). Collection method: clinical testing. Allele origin: germline.
Comment: This variant has not been reported in the literature in individuals with BRIP1-related conditions. For these reasons, this variant has been classified as Pathogenic. Loss-of-function variants in BRIP1 are known to be pathogenic (PMID: 16116423, 17033622, 21964575). This variant is not present in population databases (ExAC no frequency). This sequence change creates a premature translational stop signal (p.Lys386*) in the BRIP1 gene. It is expected to result in an absent or disrupted protein product.

Literature cited by the submitters: PubMed 16116423 (cited by Labcorp Genetics (formerly Invitae), Labcorp); PubMed 17033622 (cited by Labcorp Genetics (formerly Invitae), Labcorp); PubMed 21964575 (cited by Labcorp Genetics (formerly Invitae), Labcorp).